The following is an entry in ClinVar:

GRCh38/hg38 15q11.2-13.1(chr15:22782170-28134728)x1

Genes: ATP10A (ATPase phospholipid transporting 10A (putative); minus strand), ATP10A-DT (ATP10A divergent transcript; plus strand), CYFIP1 (cytoplasmic FMR1 interacting protein 1; minus strand), GABRA5 (gamma-aminobutyric acid type A receptor subunit alpha5; plus strand), GABRB3 (gamma-aminobutyric acid type A receptor subunit beta3; minus strand) and 158 more. Cytogenetic location: 15q11.2-13.1.
Variant type: copy number loss.
Change: copy number 1 (one copy instead of two) of chr15:22,782,170-28,134,728 (5.35 Mb, GRCh38 coordinates, 1-based), cytogenetic band 15q11.2-13.1.
Identifiers: ClinVar variation 4852474 (VCV004852474.1).

ClinVar aggregate classification (germline): Pathogenic (1 of 4 stars; one submission).

Conditions:
Epileptic encephalopathy. Identifiers: MedGen C0543888, HP:0200134.

Submission:

Unidad de Genómica Garrahan, Hospital de Pediatría Garrahan
Classification: Pathogenic for Epileptic encephalopathy. Last evaluated: 2021-01-01. Review status: criteria provided, single submitter. Criteria: ACMG/ClinGen CNV Guidelines, 2019. Collection method: clinical testing. Allele origin: germline. Affected: yes. Observed: 1 variant allele.
Comment: Heterozygous deletion of the 15q11.2-q13 region (type 1 deletion; from BP1 to BP3); approximate size: 5 Mb (UBE3A, GABRB3). Initially identified by NGS gene panel with bioinformatic prediction of copy number variants (DECoN and panelcn.MOPS), and confirmed by multiplex ligation-dependent probe amplification (MLPA, SALSA MS-MLPA Probemix ME028 Prader-Willi/Angelman version C1).